The following is an entry in ClinVar:

ClinVar aggregate classification (germline): Pathogenic (1 of 4 stars; one submission).

Conditions:
Hereditary breast ovarian cancer syndrome. Also called: Hereditary breast and ovarian cancer syndrome (HBOC); Hereditary breast and ovarian cancer syndrome; Breast and ovarian cancer; BRCA1- and BRCA2-Associated Hereditary Breast and Ovarian Cancer; Hereditary breast and ovarian cancer; Hereditary breast and/or ovarian cancer syndrome. Identifiers: Orphanet 145, MedGen C0677776, MeSH D061325, MONDO:0003582. Disease mechanism: loss of function.

Submission:

Labcorp Genetics (formerly Invitae), Labcorp
Classification: Pathogenic for Hereditary breast ovarian cancer syndrome. Last evaluated: 2024-05-29. Review status: criteria provided, single submitter. Criteria: Invitae Variant Classification Sherloc (09022015). Collection method: clinical testing. Allele origin: germline.
Comment: This sequence change creates a premature translational stop signal (p.Asn235Glufs*13) in the BRCA1 gene. It is expected to result in an absent or disrupted protein product. Loss-of-function variants in BRCA1 are known to be pathogenic (PMID: 20104584). This variant is not present in population databases (gnomAD no frequency). This variant has not been reported in the literature in individuals affected with BRCA1-related conditions. For these reasons, this variant has been classified as Pathogenic.

Literature cited by the submitters: PubMed 20104584.

NM_007294.4(BRCA1):c.701_702insTG (p.Asn235fs)

Gene: BRCA1 (BRCA1 DNA repair associated; minus strand). Cytogenetic location: 17q21.31.
Variant type: Insertion.
Coding change: c.701_702insTG on transcript NM_007294.4 (MANE Select); coding-DNA positions 701 to 702, TG inserted.
Protein change: p.Asn235fs; shifts the reading frame from asparagine 235.
Molecular consequence: frameshift variant. On other transcripts: 5 prime UTR variant (2), intron variant (13).
Genome position: GRCh38 VCF-style: chr17-43094829-T-TCA. GRCh37 (hg19) VCF-style: chr17-41246846-T-TCA.
Other names: c.560_561insTG, p.Asn188fs (NM_001407945.1, NM_001408410.1, NM_001408452.1 and 43 more transcripts); c.368_369insTG, p.Asn124fs (NM_001407946.1, NM_001407947.1, NM_001407948.1 and 7 more transcripts); c.365_366insTG, p.Asn123fs (NM_001407954.1, NM_001407955.1, NM_001407956.1 and 3 more transcripts); c.320_321insTG, p.Asn108fs (NM_001407959.1, NM_001407960.1, NM_001407963.1 and 1 more transcripts); c.317_318insTG, p.Asn107fs (NM_001407962.1); c.557_558insTG, p.Asn187fs (NM_001407964.1, NM_001408462.1, NM_001408463.1 and 26 more transcripts); c.197_198insTG, p.Asn67fs (NM_001407965.1, NM_001408512.1); c.-188_-187insTG (NM_001407966.1, NM_001407967.1); and 21 more; short protein forms N108fs, N146fs, N147fs, N167fs, N193fs, N234fs, N164fs, N168fs.
Identifiers: ClinVar variation 2853069 (VCV002853069.3), dbSNP rs2552230734, ClinGen allele CA2739265623.